The following is an entry in ClinVar:

NM_001128228.3(TPRN):c.2074-5T>C

Gene: TPRN (taperin; minus strand). Cytogenetic location: 9q34.3.
Variant type: single nucleotide variant.
Coding change: c.2074-5T>C on transcript NM_001128228.3 (MANE Select); 5 bases into the intron before coding-DNA position 2074, T replaced by C.
Molecular consequence: intron variant.
Genome position (GRCh38, 1-based): chr9:137,192,179, A>G on the plus strand (T>C on the coding strand, the complement: TPRN is on the minus strand). VCF-style: chr9-137192179-A-G. GRCh37 (hg19) VCF-style: chr9-140086631-A-G.
Identifiers: ClinVar variation 666938 (VCV000666938.5), dbSNP rs1564383004, ClinGen allele CA375768003.

ClinVar aggregate classification (germline): Uncertain significance (1 of 4 stars; one submission).

Allele frequency attached by ClinVar (database versions not stated): gnomAD exomes below 0.00001.
gnomAD v4.1: 2 of 1,613,448 alleles (0.00012%); highest among the groups gnomAD compares: Non-Finnish European, 0.00017%; no homozygotes.

Submission:

Laboratory for Molecular Medicine, Mass General Brigham Personalized Medicine
Classification: Uncertain significance. Last evaluated: 2019-03-01. Review status: criteria provided, single submitter. Criteria: LMM Criteria. Collection method: clinical testing. Allele origin: germline. Observed: 1 variant allele.
Comment: The c.2074-5T>C variant in TPRN has not been previously reported in individuals with hearing loss but has been identified in 0.0008% (1/113236) of European chromosomes by gnomAD. This variant is in the 3' splice region. Computational tools do not predict a splicing impact, though this information is not predictive enough to rule out pathogenicity. In summary, the clinical significance of this variant is uncertain. ACMG/AMP Criteria applied: PM2.